The following is an entry in ClinVar:

NM_177438.3(DICER1):c.4247A>G (p.Asp1416Gly)

Gene: DICER1 (dicer 1, ribonuclease III; minus strand). Cytogenetic location: 14q32.13.
Variant type: single nucleotide variant.
Coding change: c.4247A>G on transcript NM_177438.3 (MANE Select); coding-DNA position 4247, A replaced by G.
Protein change: p.Asp1416Gly; replaces aspartic acid 1416 with glycine.
Molecular consequence: missense variant.
Genome position (GRCh38, 1-based): chr14:95,096,673, T>C on the plus strand (A>G on the coding strand, the complement: DICER1 is on the minus strand). VCF-style: chr14-95096673-T-C. GRCh37 (hg19) VCF-style: chr14-95563010-T-C.
Other names: c.4247A>G, p.Asp1416Gly (NM_001195573.1, NM_001271282.3, NM_001291628.2 and 1 more transcripts); short protein forms D1416G.
Identifiers: ClinVar variation 824715 (VCV000824715.10), dbSNP rs1595342821, ClinGen allele CA390869724.
Genomic context (GRCh38, chr14:95,096,673, plus strand): 5'-GCCTCTTCCTTCGGAGCCCTCCACATCAGGCTCTCCTCCTCCTCATCCTCCTCCTCGTAA[T>C]CCTCATCCAGTTTGCCATTCGCCAGCATGCAGTCTTTTGTCTGAAACGAGGGGGAATGGG-3'
Protein context (NP_803187.1, residues 1406-1426): CMLANGKLDE[Asp1416Gly]YEEEDEEEES

ClinVar aggregate classification (germline): Uncertain significance. Review status: criteria provided, multiple submitters, no conflicts (2 of 4 stars). 2 submissions from 2 submitters: Uncertain significance (2). Last evaluated 2022-09-23.

Conditions:
DICER1-related tumor predisposition. Also called: DICER1-related pleuropulmonary blastoma cancer predisposition syndrome; DICER1 syndrome. Identifiers: Orphanet 284343, MedGen C3839822, MONDO:0100216.
Hereditary cancer-predisposing syndrome. Also called: Neoplastic Syndromes, Hereditary; Hereditary Cancer Syndrome; Hereditary neoplastic syndrome; Tumor predisposition. Identifiers: Orphanet 140162, MedGen C0027672, MeSH D009386, MONDO:0015356.

Submissions (2):

Labcorp Genetics (formerly Invitae), Labcorp
Classification: Uncertain significance for DICER1-related tumor predisposition. Last evaluated: 2022-09-23. Review status: criteria provided, single submitter. Criteria: Invitae Variant Classification Sherloc (09022015). Collection method: clinical testing. Allele origin: germline.
Comment: This sequence change replaces aspartic acid, which is acidic and polar, with glycine, which is neutral and non-polar, at codon 1416 of the DICER1 protein (p.Asp1416Gly). In summary, the available evidence is currently insufficient to determine the role of this variant in disease. Therefore, it has been classified as a Variant of Uncertain Significance. Algorithms developed to predict the effect of missense changes on protein structure and function (SIFT, PolyPhen-2, Align-GVGD) all suggest that this variant is likely to be tolerated. ClinVar contains an entry for this variant (Variation ID: 824715). This variant has not been reported in the literature in individuals affected with DICER1-related conditions. This variant is not present in population databases (gnomAD no frequency).

Ambry Genetics
Classification: Uncertain significance for Hereditary cancer-predisposing syndrome. Last evaluated: 2018-04-17. Review status: criteria provided, single submitter. Criteria: Ambry Variant Classification Scheme 2023. Collection method: clinical testing. Allele origin: germline.
Comment: The p.D1416G variant (also known as c.4247A>G), located in coding exon 22 of the DICER1 gene, results from an A to G substitution at nucleotide position 4247. The aspartic acid at codon 1416 is replaced by glycine, an amino acid with similar properties. This amino acid position is not well conserved in available vertebrate species. In addition, this alteration is predicted to be tolerated by in silico analysis. Since supporting evidence is limited at this time, the clinical significance of this alteration remains unclear.